The following is an entry in ClinVar:

ClinVar aggregate classification (germline): Conflicting classifications of pathogenicity. Review status: criteria provided, conflicting classifications (1 of 4 stars). 2 submissions from 2 submitters: Likely pathogenic (1); Uncertain significance (1). Last evaluated 2024-06-14.

Conditions:
Charcot-Marie-Tooth disease type 2. Also called: Charcot-Marie-Tooth type 2. Identifiers: Orphanet 64746, MedGen C0270914, MONDO:0018993.

Submissions (2):

GeneDx
Classification: Likely pathogenic. Last evaluated: 2024-06-14. Review status: criteria provided, single submitter. Criteria: GeneDx Variant Classification Process June 2021. Collection method: clinical testing. Allele origin: germline. Affected: yes.
Comment: In silico analysis supports that this missense variant has a deleterious effect on protein structure/function; Not observed at significant frequency in large population cohorts (gnomAD); Has not been previously published as pathogenic or benign to our knowledge; This variant is associated with the following publications: (PMID: 10939567)

Labcorp Genetics (formerly Invitae), Labcorp
Classification: Uncertain significance for Charcot-Marie-Tooth disease type 2. Last evaluated: 2022-08-23. Review status: criteria provided, single submitter. Criteria: Invitae Variant Classification Sherloc (09022015). Collection method: clinical testing. Allele origin: germline.
Comment: This sequence change replaces tyrosine, which is neutral and polar, with cysteine, which is neutral and slightly polar, at codon 81 of the LMNA protein (p.Tyr81Cys). This variant is not present in population databases (gnomAD no frequency). This variant has not been reported in the literature in individuals affected with LMNA-related conditions. ClinVar contains an entry for this variant (Variation ID: 246580). Algorithms developed to predict the effect of missense changes on protein structure and function (SIFT, PolyPhen-2, Align-GVGD) all suggest that this variant is likely to be disruptive. In summary, the available evidence is currently insufficient to determine the role of this variant in disease. Therefore, it has been classified as a Variant of Uncertain Significance.

NM_170707.4(LMNA):c.242A>G (p.Tyr81Cys)

Gene: LMNA (lamin A/C; plus strand). Cytogenetic location: 1q22.
Variant type: single nucleotide variant.
Coding change: c.242A>G on transcript NM_170707.4 (MANE Select); coding-DNA position 242, A replaced by G.
Protein change: p.Tyr81Cys; replaces tyrosine 81 with cysteine.
Molecular consequence: missense variant.
Genome position (GRCh38, 1-based): chr1:156,115,160, A>G. VCF-style: chr1-156115160-A-G. GRCh37 (hg19) VCF-style: chr1-156084951-A-G.
Other names: c.242A>G, p.Tyr81Cys (NM_001282625.2, NM_001282626.2, NM_005572.4 and 1 more transcripts); short protein forms Y81C.
Identifiers: ClinVar variation 246580 (VCV000246580.11), dbSNP rs879254319, ClinGen allele CA10584114.